The following is an entry in ClinVar:

ClinVar aggregate classification (germline): Uncertain significance. Review status: criteria provided, multiple submitters, no conflicts (2 of 4 stars). 5 submissions from 5 submitters: Uncertain significance (5). Last evaluated 2024-11-10.

Conditions:
Inborn genetic diseases. Identifiers: MedGen C0950123, MeSH D030342.
VPS13A-related neurodegenerative disease. Also called: LEVINE-CRITCHLEY SYNDROME; Choreoacanthocytosis; Choreaacanthocytosis; Chorea-acanthocytosis; VPS13A Disease; ACANTHOCYTOSIS WITH NEUROLOGIC DISORDER. Identifiers: Orphanet 2388, MedGen C0393576, MONDO:0008695, OMIM 200150.

Allele frequency attached by ClinVar (database versions not stated): gnomAD exomes 0.00003 and 0.00005; ExAC 0.00004; gnomAD 0.00007; TOPMed 0.00009.
gnomAD v4.1: 52 of 1,612,506 alleles (0.0032%); highest among the groups gnomAD compares: Non-Finnish European, 0.0042%; no homozygotes.

Submissions (5):

Ambry Genetics
Classification: Uncertain significance for Inborn genetic diseases. Last evaluated: 2024-11-10. Review status: criteria provided, single submitter. Criteria: Ambry Variant Classification Scheme 2023. Collection method: clinical testing. Allele origin: germline.

CeGaT Center for Human Genetics Tuebingen
Classification: Uncertain significance. Last evaluated: 2024-11-01. Review status: criteria provided, single submitter. Criteria: CeGaT Center For Human Genetics Tuebingen Variant Classification Criteria Version 2. Collection method: clinical testing. Allele origin: germline. Affected: yes. Observed: 1 variant allele.
Comment: VPS13A: PM2, BP4

Blueprint Genetics
Classification: Uncertain significance. Last evaluated: 2024-07-31. Review status: criteria provided, single submitter. Criteria: ACMG Guidelines, 2015. Collection method: clinical testing. Allele origin: germline.

Labcorp Genetics (formerly Invitae), Labcorp
Classification: Uncertain significance. Last evaluated: 2022-07-05. Review status: criteria provided, single submitter. Criteria: Invitae Variant Classification Sherloc (09022015). Collection method: clinical testing. Allele origin: germline.
Comment: This sequence change replaces threonine, which is neutral and polar, with proline, which is neutral and non-polar, at codon 667 of the VPS13A protein (p.Thr667Pro). This variant is present in population databases (rs148227344, gnomAD 0.01%). This variant has not been reported in the literature in individuals affected with VPS13A-related conditions. ClinVar contains an entry for this variant (Variation ID: 913845). Algorithms developed to predict the effect of missense changes on protein structure and function (SIFT, PolyPhen-2, Align-GVGD) all suggest that this variant is likely to be tolerated. In summary, the available evidence is currently insufficient to determine the role of this variant in disease. Therefore, it has been classified as a Variant of Uncertain Significance.

Illumina Laboratory Services, Illumina
Classification: Uncertain significance for VPS13A-related neurodegenerative disease. Last evaluated: 2018-01-13. Review status: criteria provided, single submitter. Criteria: ICSL Variant Classification Criteria 13 December 2019. Collection method: clinical testing. Allele origin: germline.

NM_033305.3(VPS13A):c.1999A>C (p.Thr667Pro)

Gene: VPS13A (vacuolar protein sorting 13 homolog A; plus strand). Cytogenetic location: 9q21.2.
Variant type: single nucleotide variant.
Coding change: c.1999A>C on transcript NM_033305.3 (MANE Select); coding-DNA position 1999, A replaced by C.
Protein change: p.Thr667Pro; replaces threonine 667 with proline.
Molecular consequence: missense variant.
Genome position (GRCh38, 1-based): chr9:77,247,357, A>C. VCF-style: chr9-77247357-A-C. GRCh37 (hg19) VCF-style: chr9-79862273-A-C.
Other names: c.1999A>C, p.Thr667Pro (NM_001018037.2, NM_001018038.3, NM_015186.4); short protein forms T667P.
Identifiers: ClinVar variation 913845 (VCV000913845.22), dbSNP rs148227344, ClinGen allele CA5091825.